The following is an entry in ClinVar:

NM_000368.5(TSC1):c.413C>A (p.Thr138Asn)

Gene: TSC1 (TSC complex subunit 1; minus strand). Cytogenetic location: 9q34.13.
Variant type: single nucleotide variant.
Coding change: c.413C>A on transcript NM_000368.5 (MANE Select); coding-DNA position 413, C replaced by A.
Protein change: p.Thr138Asn; replaces threonine 138 with asparagine.
Molecular consequence: missense variant.
Genome position (GRCh38, 1-based): chr9:132,923,443, G>T on the plus strand (C>A on the coding strand, the complement: TSC1 is on the minus strand). VCF-style: chr9-132923443-G-T. GRCh37 (hg19) VCF-style: chr9-135798830-G-T.
Other names: c.413C>A (NM_000368.4); c.413C>A, p.Thr138Asn (NM_001162426.2); c.260C>A, p.Thr87Asn (NM_001162427.2); c.50C>A, p.Thr17Asn (NM_001362177.2); short protein forms T87N, T138N, T17N.
Identifiers: ClinVar variation 1487087 (VCV001487087.8), dbSNP rs1163879822, ClinGen allele CA375373552.

ClinVar aggregate classification (germline): Conflicting classifications of pathogenicity. Review status: criteria provided, conflicting classifications (1 of 4 stars). 3 submissions from 3 submitters: Uncertain significance (2); Likely benign (1). Last evaluated 2024-02-26.

Conditions:
Tuberous sclerosis syndrome (TSC). Also called: Tuberous Sclerosis Complex; Tuberous sclerosis. Identifiers: Orphanet 805, MedGen C0041341, MONDO:0001734.
Tuberous sclerosis 1 (TSC1). Identifiers: Orphanet 805, MedGen C1854465, MONDO:0008612, OMIM 191100.
Hereditary cancer-predisposing syndrome. Also called: Neoplastic Syndromes, Hereditary; Tumor predisposition; Hereditary neoplastic syndrome; Hereditary Cancer Syndrome. Identifiers: Orphanet 140162, MedGen C0027672, MeSH D009386, MONDO:0015356.

Allele frequency attached by ClinVar (database versions not stated): gnomAD exomes 0.00001.
gnomAD v4.1: 3 of 1,614,182 alleles (0.00019%); highest among the groups gnomAD compares: East Asian, 0.0022%; no homozygotes.

Submissions (3):

Labcorp Genetics (formerly Invitae), Labcorp
Classification: Likely benign for Tuberous sclerosis 1. Last evaluated: 2024-02-26. Review status: criteria provided, single submitter. Criteria: Invitae Variant Classification Sherloc (09022015). Collection method: clinical testing. Allele origin: germline.

All of Us Research Program, National Institutes of Health
Classification: Uncertain significance for Tuberous sclerosis syndrome. Last evaluated: 2023-05-04. Review status: criteria provided, single submitter. Criteria: ACMG Guidelines, 2015. Collection method: clinical testing. Allele origin: germline. Inheritance: Autosomal dominant inheritance. Observed: 1 variant allele, 1 heterozygote.
Comment: This missense variant replaces threonine with asparagine at codon 138 of the TSC1 protein. Computational prediction suggests that this variant may have deleterious impact on protein structure and function (internally defined REVEL score threshold >= 0.7, PMID: 27666373). To our knowledge, functional studies have not been reported for this variant. This variant has not been reported in individuals affected with TSC1-related disorders in the literature. This variant has been identified in 2/251394 chromosomes in the general population by the Genome Aggregation Database (gnomAD). The available evidence is insufficient to determine the role of this variant in disease conclusively. Therefore, this variant is classified as a Variant of Uncertain Significance.

This study involves interpretation of variants in research participants for the purpose of population health screening. Participant phenotype was not available at the time of variant classification. Additional details can be found in publication PMID: 35346344, PMCID: PMC8962531

Ambry Genetics
Classification: Uncertain significance for Hereditary cancer-predisposing syndrome. Last evaluated: 2023-03-23. Review status: criteria provided, single submitter. Criteria: Ambry Variant Classification Scheme 2023. Collection method: clinical testing. Allele origin: germline.
Comment: The p.T138N variant (also known as c.413C>A), located in coding exon 4 of the TSC1 gene, results from a C to A substitution at nucleotide position 413. The threonine at codon 138 is replaced by asparagine, an amino acid with similar properties. This amino acid position is conserved. In addition, the in silico prediction for this alteration is inconclusive. Since supporting evidence is limited at this time, the clinical significance of this alteration remains unclear.